The following is an entry in ClinVar:

NM_005012.4(ROR1):c.706G>A (p.Asp236Asn)

Gene: ROR1 (receptor tyrosine kinase like orphan receptor 1; plus strand). Cytogenetic location: 1p31.3.
Variant type: single nucleotide variant.
Coding change: c.706G>A on transcript NM_005012.4 (MANE Select); coding-DNA position 706, G replaced by A.
Protein change: p.Asp236Asn; replaces aspartic acid 236 with asparagine.
Molecular consequence: missense variant.
Genome position (GRCh38, 1-based): chr1:64,140,204, G>A. VCF-style: chr1-64140204-G-A. GRCh37 (hg19) VCF-style: chr1-64605887-G-A.
Other names: c.706G>A, p.Asp236Asn (NM_001083592.2); c.706G>A (NM_005012.2); short protein forms D236N.
Identifiers: ClinVar variation 3629217 (VCV003629217.3).

ClinVar aggregate classification (germline): Uncertain significance. Review status: criteria provided, multiple submitters, no conflicts (2 of 4 stars). 2 submissions from 2 submitters: Uncertain significance (2). Last evaluated 2025-05-18.

gnomAD v4.1: 16 of 1,613,966 alleles (0.00099%); highest among the groups gnomAD compares: East Asian, 0.0022%; no homozygotes.

Submissions (2):

Ambry Genetics
Classification: Uncertain significance. Last evaluated: 2025-05-18. Review status: criteria provided, single submitter. Criteria: Ambry Variant Classification Scheme 2023. Collection method: clinical testing. Allele origin: germline.

Labcorp Genetics (formerly Invitae), Labcorp
Classification: Uncertain significance. Last evaluated: 2024-09-23. Review status: criteria provided, single submitter. Criteria: Invitae Variant Classification Sherloc (09022015). Collection method: clinical testing. Allele origin: germline.
Comment: This sequence change replaces aspartic acid, which is acidic and polar, with asparagine, which is neutral and polar, at codon 236 of the ROR1 protein (p.Asp236Asn). This variant is present in population databases (rs780850122, gnomAD 0.006%). This variant has not been reported in the literature in individuals affected with ROR1-related conditions. Invitae Evidence Modeling of protein sequence and biophysical properties (such as structural, functional, and spatial information, amino acid conservation, physicochemical variation, residue mobility, and thermodynamic stability) indicates that this missense variant is not expected to disrupt ROR1 protein function with a negative predictive value of 80%. In summary, the available evidence is currently insufficient to determine the role of this variant in disease. Therefore, it has been classified as a Variant of Uncertain Significance.